The following is an entry in ClinVar:

ClinVar aggregate classification (germline): Uncertain significance (1 of 4 stars; one submission).

Submission:

GeneDx
Classification: Uncertain significance. Last evaluated: 2014-10-24. Review status: criteria provided, single submitter. Criteria: GeneDx Variant Classification (06012015). Collection method: clinical testing. Allele origin: germline. Affected: yes.
Comment: p.Asn1056del (N1056del) : c.3168_3170delCAA in exon 16 of the SCN1A gene (NM_001165963.1). The normal sequence with the bases that are deleted in braces is: ACAA{CAA}GAAAG. The c.3168_3170delCAA variant has not been published as a mutation, nor has it been reported as a benign polymorphism to our knowledge. It was not observed in approximately 6,500 individuals of European and African American ancestry in the NHLBI Exome Sequencing Project, indicating it is not a common benign variant in these populations. The c.3168_3170delCAA variant results in an in-frame deletion of a single Asparagine residue at a position in the cytoplasmic loop between the second and third homologous domains of the SCN1A protein that is conserved in mammals but is not conserved in more distantly related species. In addition, mutations in nearby residues have not been reported. Therefore, based on the currently available information, it is unclear whether this variant is a pathogenic mutation or a rare benign variant. The variant is found in EPILEPSY panel(s).

NM_001165963.4(SCN1A):c.3165CAA[1] (p.Asn1056del)

Genes: SCN1A (sodium voltage-gated channel alpha subunit 1; minus strand), LOC102724058 (uncharacterized LOC102724058; plus strand). Cytogenetic location: 2q24.3.
Variant type: Microsatellite.
Coding change: c.3165CAA[1] on transcript NM_001165963.4 (MANE Select); one copy of the 3-base unit CAA starting at c.3165; the reference has two copies in a row; one copy, 3 bases deleted.
Protein change: p.Asn1056del; deletes asparagine 1056.
Molecular consequence: inframe deletion. On other transcripts: non-coding transcript variant (2).
Genome position (GRCh38, 1-based): chr2:166,036,307-166,036,309, TTG deleted on the plus strand (CAA on the coding strand, the reverse complement: SCN1A is on the minus strand); deleting any 3 consecutive bases within chr2:166,036,307-166,036,314 gives the same sequence; the position shown is the placement nearest the transcript's 3' end. VCF-style (leftmost placement, unchanged base first): chr2-166036306-CTTG-C. GRCh37 (hg19) VCF-style: chr2-166892816-CTTG-C.
Other names: c.3081CAA[1], p.Asn1028del (NM_001165964.3, NM_001353957.2, NM_001353958.2); c.3165CAA[1], p.Asn1056del (NM_001202435.3, NM_001353948.2); c.3132CAA[1], p.Asn1045del (NM_001353949.2, NM_001353950.2, NM_001353951.2 and 2 more transcripts); c.3129CAA[1], p.Asn1044del (NM_001353954.2, NM_001353955.2); c.3078CAA[1], p.Asn1027del (NM_001353960.2); c.723CAA[1], p.Asn242del (NM_001353961.2); short protein forms N1045del, N1056del, N1028del, N1044del, N1027del, N242del.
Identifiers: ClinVar variation 206907 (VCV000206907.1), dbSNP rs796053069, ClinGen allele CA317722.